The following is an entry in ClinVar:

NM_003200.5(TCF3):c.302A>G (p.Lys101Arg)

Gene: TCF3 (transcription factor 3; minus strand). Cytogenetic location: 19p13.3.
Variant type: single nucleotide variant.
Coding change: c.302A>G on transcript NM_003200.5 (MANE Select); coding-DNA position 302, A replaced by G.
Protein change: p.Lys101Arg; replaces lysine 101 with arginine.
Molecular consequence: missense variant.
Genome position (GRCh38, 1-based): chr19:1,627,423, T>C on the plus strand (A>G on the coding strand, the complement: TCF3 is on the minus strand). VCF-style: chr19-1627423-T-C. GRCh37 (hg19) VCF-style: chr19-1627422-T-C.
Other names: c.302A>G, p.Lys101Arg (NM_001136139.4, NM_001351778.2, NM_001351779.2); c.302A>G (NM_003200.3); short protein forms K101R.
Identifiers: ClinVar variation 810990 (VCV000810990.54), dbSNP rs41275842, ClinGen allele CA9050464.
Genomic context (GRCh38, chr19:1,627,423, plus strand): 5'-GTCAGGCCGCCCACGCCTGCGTCTCTCCCGAAGGAGGCATAGGCGCCCCGCTCACCGCTC[T>C]TGCCTGCAAGGGGAGAAGGAAGGTTAGTGGGAGGCGACCCCAAGGAACATCCTGAGGGCC-3'
Protein context (NP_003191.1, residues 91-111): STFLGPGLGG[Lys101Arg]SGERGAYASF

ClinVar aggregate classification (germline): Benign/Likely benign. Review status: criteria provided, multiple submitters, no conflicts (2 of 4 stars). 6 submissions from 6 submitters: Benign (4); Likely benign (1). 1 of the submissions does not count toward it. Last evaluated 2026-09-01.

Conditions:
TCF3-related disorder. Also called: TCF3-related condition.

Allele frequency attached by ClinVar (database versions not stated): 1000 Genomes Project 0.00300; 1000 Genomes Project 30x 0.00312; TOPMed 0.00816; gnomAD exomes 0.00947 and 0.01306; gnomAD 0.00960 and 0.00989; ESP Exome Variant Server 0.01071; ExAC 0.01193.
gnomAD v4.1: 20,357 of 1,611,810 alleles (1.3%); highest among the groups gnomAD compares: Non-Finnish European, 1.5%; 160 homozygotes.

Submissions 1 to 31 of 76:

CeGaT Center for Human Genetics Tuebingen
Classification: Benign. Last evaluated: 2026-09-01. Review status: criteria provided, single submitter. Criteria: CeGaT Center For Human Genetics Tuebingen Variant Classification Criteria Version 2. Collection method: clinical testing. Allele origin: germline. Affected: yes. Observed: 21 variant alleles.
Comment: TCF3: BS1, BS2

Labcorp Genetics (formerly Invitae), Labcorp
Classification: Benign. Last evaluated: 2026-02-02. Review status: criteria provided, single submitter. Criteria: Invitae Variant Classification Sherloc (09022015). Collection method: clinical testing. Allele origin: germline.

Women's Health and Genetics/Laboratory Corporation of America, LabCorp
Classification: Likely benign. Last evaluated: 2026-01-22. Review status: criteria provided, single submitter. Criteria: LabCorp Variant Classification Summary - May 2015. Collection method: clinical testing. Allele origin: germline.

ARUP Laboratories, Molecular Genetics and Genomics, ARUP Laboratories
Classification: Benign. Last evaluated: 2024-11-23. Review status: criteria provided, single submitter. Criteria: ARUP Molecular Germline Variant Investigation Process 2024. Collection method: clinical testing. Allele origin: germline.

Breakthrough Genomics
Classification: Benign. Review status: criteria provided, single submitter. Criteria: ACMG Guidelines, 2015. Collection method: not provided. Allele origin: germline. Inheritance: Autosomal recessive inheritance. Affected: yes.

PreventionGenetics, part of Exact Sciences
Classification: Benign for TCF3-related condition. Last evaluated: 2019-05-21. Review status: no assertion criteria provided. Collection method: clinical testing. Allele origin: germline. Not counted in ClinVar's aggregate classification.
Comment: This variant is classified as benign based on ACMG/AMP sequence variant interpretation guidelines (Richards et al. 2015 PMID: 25741868, with internal and published modifications).

Dr. Peter K. Rogan Lab, Western University
No classification provided (evidence only). Condition: Clear cell carcinoma of kidney. Review status: no classification provided. Collection method: in vitro. Allele origin: not applicable. Functional consequence: retained intron. Not counted in ClinVar's aggregate classification.

Dr. Peter K. Rogan Lab, Western University
No classification provided (evidence only). Condition: Clear cell carcinoma of kidney. Review status: no classification provided. Collection method: in vitro. Allele origin: not applicable. Functional consequence: retained intron. Not counted in ClinVar's aggregate classification.

Dr. Peter K. Rogan Lab, Western University
No classification provided (evidence only). Condition: Clear cell carcinoma of kidney. Review status: no classification provided. Collection method: in vitro. Allele origin: not applicable. Functional consequence: retained intron. Not counted in ClinVar's aggregate classification.

Dr. Peter K. Rogan Lab, Western University
No classification provided (evidence only). Condition: Clear cell carcinoma of kidney. Review status: no classification provided. Collection method: in vitro. Allele origin: not applicable. Functional consequence: retained intron. Not counted in ClinVar's aggregate classification.

Dr. Peter K. Rogan Lab, Western University
No classification provided (evidence only). Condition: Clear cell carcinoma of kidney. Review status: no classification provided. Collection method: in vitro. Allele origin: not applicable. Functional consequence: retained intron. Not counted in ClinVar's aggregate classification.

Dr. Peter K. Rogan Lab, Western University
No classification provided (evidence only). Condition: Clear cell carcinoma of kidney. Review status: no classification provided. Collection method: in vitro. Allele origin: not applicable. Functional consequence: retained intron. Not counted in ClinVar's aggregate classification.

Dr. Peter K. Rogan Lab, Western University
No classification provided (evidence only). Condition: Lung cancer. Review status: no classification provided. Collection method: in vitro. Allele origin: not applicable. Functional consequence: retained intron. Not counted in ClinVar's aggregate classification.

Dr. Peter K. Rogan Lab, Western University
No classification provided (evidence only). Condition: Lung cancer. Review status: no classification provided. Collection method: in vitro. Allele origin: not applicable. Functional consequence: retained intron. Not counted in ClinVar's aggregate classification.

Dr. Peter K. Rogan Lab, Western University
No classification provided (evidence only). Condition: Lung cancer. Review status: no classification provided. Collection method: in vitro. Allele origin: not applicable. Functional consequence: retained intron. Not counted in ClinVar's aggregate classification.

Dr. Peter K. Rogan Lab, Western University
No classification provided (evidence only). Condition: Lung cancer. Review status: no classification provided. Collection method: in vitro. Allele origin: not applicable. Functional consequence: retained intron. Not counted in ClinVar's aggregate classification.

Dr. Peter K. Rogan Lab, Western University
No classification provided (evidence only). Condition: Lung cancer. Review status: no classification provided. Collection method: in vitro. Allele origin: not applicable. Functional consequence: retained intron. Not counted in ClinVar's aggregate classification.

Dr. Peter K. Rogan Lab, Western University
No classification provided (evidence only). Condition: Lung cancer. Review status: no classification provided. Collection method: in vitro. Allele origin: not applicable. Functional consequence: retained intron. Not counted in ClinVar's aggregate classification.

Dr. Peter K. Rogan Lab, Western University
No classification provided (evidence only). Condition: Melanoma. Review status: no classification provided. Collection method: in vitro. Allele origin: not applicable. Functional consequence: retained intron. Not counted in ClinVar's aggregate classification.

Dr. Peter K. Rogan Lab, Western University
No classification provided (evidence only). Condition: Melanoma. Review status: no classification provided. Collection method: in vitro. Allele origin: not applicable. Functional consequence: retained intron. Not counted in ClinVar's aggregate classification.

Dr. Peter K. Rogan Lab, Western University
No classification provided (evidence only). Condition: Melanoma. Review status: no classification provided. Collection method: in vitro. Allele origin: not applicable. Functional consequence: retained intron. Not counted in ClinVar's aggregate classification.

Dr. Peter K. Rogan Lab, Western University
No classification provided (evidence only). Condition: Melanoma. Review status: no classification provided. Collection method: in vitro. Allele origin: not applicable. Functional consequence: skipped exon, retained intron. Not counted in ClinVar's aggregate classification.

Dr. Peter K. Rogan Lab, Western University
No classification provided (evidence only). Condition: Melanoma. Review status: no classification provided. Collection method: in vitro. Allele origin: not applicable. Functional consequence: retained intron. Not counted in ClinVar's aggregate classification.

Dr. Peter K. Rogan Lab, Western University
No classification provided (evidence only). Condition: Melanoma. Review status: no classification provided. Collection method: in vitro. Allele origin: not applicable. Functional consequence: retained intron. Not counted in ClinVar's aggregate classification.

Dr. Peter K. Rogan Lab, Western University
No classification provided (evidence only). Condition: Melanoma. Review status: no classification provided. Collection method: in vitro. Allele origin: not applicable. Functional consequence: retained intron. Not counted in ClinVar's aggregate classification.

Dr. Peter K. Rogan Lab, Western University
No classification provided (evidence only). Condition: Melanoma. Review status: no classification provided. Collection method: in vitro. Allele origin: not applicable. Functional consequence: retained intron. Not counted in ClinVar's aggregate classification.

Dr. Peter K. Rogan Lab, Western University
No classification provided (evidence only). Condition: Melanoma. Review status: no classification provided. Collection method: in vitro. Allele origin: not applicable. Functional consequence: retained intron. Not counted in ClinVar's aggregate classification.

Dr. Peter K. Rogan Lab, Western University
No classification provided (evidence only). Condition: Melanoma. Review status: no classification provided. Collection method: in vitro. Allele origin: not applicable. Functional consequence: retained intron. Not counted in ClinVar's aggregate classification.

Dr. Peter K. Rogan Lab, Western University
No classification provided (evidence only). Condition: Acute myeloid leukemia. Review status: no classification provided. Collection method: in vitro. Allele origin: not applicable. Functional consequence: retained intron. Not counted in ClinVar's aggregate classification.

Dr. Peter K. Rogan Lab, Western University
No classification provided (evidence only). Condition: Acute myeloid leukemia. Review status: no classification provided. Collection method: in vitro. Allele origin: not applicable. Functional consequence: retained intron. Not counted in ClinVar's aggregate classification.

Dr. Peter K. Rogan Lab, Western University
No classification provided (evidence only). Condition: Acute myeloid leukemia. Review status: no classification provided. Collection method: in vitro. Allele origin: not applicable. Functional consequence: retained intron. Not counted in ClinVar's aggregate classification.